The following is an entry in ClinVar:

ClinVar aggregate classification (germline): Conflicting classifications of pathogenicity. Review status: criteria provided, conflicting classifications (1 of 4 stars). 3 submissions from 3 submitters: Uncertain significance (1); Likely benign (2). Last evaluated 2026-01-18.

Conditions:
CUBN-related disorder. Also called: CUBN-related condition.
Imerslund-Grasbeck syndrome. Also called: Megaloblastic anemia due to inborn errors of metabolism; Imerslund-Gräsbeck syndrome; ENTEROCYTE COBALAMIN MALABSORPTION; ENTEROCYTE INTRINSIC FACTOR RECEPTOR, DEFECT OF; PERNICIOUS ANEMIA, JUVENILE, DUE TO SELECTIVE INTESTINAL MALABSORPTION OF VITAMIN B12, WITH PROTEINURIA. Identifiers: Orphanet 35858, MedGen C4551825, MONDO:0009853.
Imerslund-Grasbeck syndrome type 1 (IGS1). Also called: MEGALOBLASTIC ANEMIA, 1; Imerslund-Gräsbeck syndrome 1; Megaloblastic anemia 1, Finnish type. Identifiers: MedGen C4016819, MONDO:0100156, OMIM 261100.

Allele frequency attached by ClinVar (database versions not stated): gnomAD 0.00011 and 0.00017; ESP Exome Variant Server 0.00015; ExAC 0.00025; TOPMed 0.00027; 1000 Genomes Project 30x 0.00078; 1000 Genomes Project 0.00080.

Submissions (3):

Labcorp Genetics (formerly Invitae), Labcorp
Classification: Likely benign for Imerslund-Grasbeck syndrome. Last evaluated: 2026-01-18. Review status: criteria provided, single submitter. Criteria: Invitae Variant Classification Sherloc (09022015). Collection method: clinical testing. Allele origin: germline.

PreventionGenetics, part of Exact Sciences
Classification: Likely benign for CUBN-related condition. Last evaluated: 2025-03-07. Review status: criteria provided, single submitter. Criteria: ACMG Guidelines, 2015. Collection method: clinical testing. Allele origin: germline.
Comment: This variant is classified as likely benign based on ACMG/AMP sequence variant interpretation guidelines (Richards et al. 2015 PMID: 25741868, with internal and published modifications).

Illumina Laboratory Services, Illumina
Classification: Uncertain significance for Imerslund-Grasbeck syndrome type 1. Last evaluated: 2018-01-13. Review status: criteria provided, single submitter. Criteria: ICSL Variant Classification Criteria 13 December 2019. Collection method: clinical testing. Allele origin: germline.

NM_001081.4(CUBN):c.10729G>A (p.Ala3577Thr)

Gene: CUBN (cubilin; minus strand). Cytogenetic location: 10p13.
Variant type: single nucleotide variant.
Coding change: c.10729G>A on transcript NM_001081.4 (MANE Select); coding-DNA position 10729, G replaced by A.
Protein change: p.Ala3577Thr; replaces alanine 3577 with threonine.
Molecular consequence: missense variant.
Genome position (GRCh38, 1-based): chr10:16,828,840, C>T on the plus strand (G>A on the coding strand, the complement: CUBN is on the minus strand). VCF-style: chr10-16828840-C-T. GRCh37 (hg19) VCF-style: chr10-16870839-C-T.
Other names: short protein forms A3577T.
Identifiers: ClinVar variation 880059 (VCV000880059.13), dbSNP rs139051724, ClinGen allele CA5422310.
Genomic context (GRCh38, chr10:16,828,840, plus strand): 5'-AATATAAAATGTTTGTTTTACTCACGCCTCCGCAGTATGGTCCAGAGGATGGAGAGCTGG[C>T]GTTGGGCCCATCATAGAGTGTGAGATAGTTCTGGACACAGTCTCCTGGATCGTCAATGCT-3'
Protein context (NP_001072.2, residues 3567-3587): NYLTLYDGPN[Ala3577Thr]SSPSSGPYCG